The following is an entry in ClinVar:

ClinVar aggregate classification (germline): Uncertain significance (1 of 4 stars; one submission).

Conditions:
Episodic ataxia type 2 (EA2). Also called: ACETAZOLAMIDE-RESPONSIVE HEREDITARY PAROXYSMAL CEREBELLAR ATAXIA; CEREBELLAR ATAXIA, PAROXYSMAL, ACETAZOLAMIDE-RESPONSIVE; CEREBELLOPATHY, HEREDITARY PAROXYSMAL; EPISODIC ATAXIA, NYSTAGMUS-ASSOCIATED; ATAXIA, EPISODIC, WITH NYSTAGMUS; ATAXIA, FAMILIAL PAROXYSMAL. Identifiers: Orphanet 97, MedGen C1720416, MONDO:0007163, OMIM 108500.
Developmental and epileptic encephalopathy, 42 (DEE42A). Also called: DEVELOPMENTAL AND EPILEPTIC ENCEPHALOPATHY 42A; EPILEPTIC ENCEPHALOPATHY, EARLY INFANTILE, 42A; Epileptic encephalopathy, early infantile, 42. Identifiers: MedGen C4310716, MONDO:0014917, OMIM 617106.

Submission:

Labcorp Genetics (formerly Invitae), Labcorp
Classification: Uncertain significance for Developmental and epileptic encephalopathy, 42; Episodic ataxia type 2. Last evaluated: 2025-01-06. Review status: criteria provided, single submitter. Criteria: Invitae Variant Classification Sherloc (09022015). Collection method: clinical testing. Allele origin: germline.
Comment: This sequence change falls in intron 8 of the CACNA1A gene. It does not directly change the encoded amino acid sequence of the CACNA1A protein. It affects a nucleotide within the consensus splice site. This variant is not present in population databases (gnomAD no frequency). This variant has not been reported in the literature in individuals affected with CACNA1A-related conditions. ClinVar contains an entry for this variant (Variation ID: 579960). Variants that disrupt the consensus splice site are a relatively common cause of aberrant splicing (PMID: 17576681, 9536098). Algorithms developed to predict the effect of sequence changes on RNA splicing suggest that this variant is not likely to affect RNA splicing. In summary, the available evidence is currently insufficient to determine the role of this variant in disease. Therefore, it has been classified as a Variant of Uncertain Significance.

Literature cited by the submitters: PubMed 17576681; PubMed 9536098.

NM_001127222.2(CACNA1A):c.1198+5G>A

Gene: CACNA1A (calcium voltage-gated channel subunit alpha1 A; minus strand). Cytogenetic location: 19p13.13.
Variant type: single nucleotide variant.
Coding change: c.1198+5G>A on transcript NM_001127222.2 (MANE Select); 5 bases into the intron after coding-DNA position 1198, G replaced by A.
Molecular consequence: intron variant.
Genome position (GRCh38, 1-based): chr19:13,334,373, C>T on the plus strand (G>A on the coding strand, the complement: CACNA1A is on the minus strand). VCF-style: chr19-13334373-C-T. GRCh37 (hg19) VCF-style: chr19-13445187-C-T.
Other names: c.1198+5G>A (NM_001127221.2, NM_001174080.2, NM_000068.4 and 1 more transcripts).
Identifiers: ClinVar variation 579960 (VCV000579960.7), dbSNP rs1568544895, ClinGen allele CA891844169.